The following is an entry in ClinVar:

NM_001330360.2(POLA1):c.574T>C (p.Ser192Pro)

Gene: POLA1 (DNA polymerase alpha 1, catalytic subunit; plus strand). Cytogenetic location: Xp22.11.
Variant type: single nucleotide variant.
Coding change: c.574T>C on transcript NM_001330360.2 (MANE Select); coding-DNA position 574, T replaced by C.
Protein change: p.Ser192Pro; replaces serine 192 with proline.
Molecular consequence: missense variant. On other transcripts: non-coding transcript variant (2).
Genome position (GRCh38, 1-based): chrX:24,716,410, T>C. VCF-style: chrX-24716410-T-C. GRCh37 (hg19) VCF-style: chrX-24734527-T-C.
Other names: c.574T>C, p.Ser192Pro (NM_001378303.1); c.556T>C, p.Ser186Pro (NM_016937.4); short protein forms S192P, S186P.
Identifiers: ClinVar variation 1511219 (VCV001511219.8), dbSNP rs2148344467, ClinGen allele CA412528257.
Genomic context (GRCh38, chrX:24,716,410, plus strand): 5'-CTTTCCTTTTAGACACCTCAAATAACTCCACCACCTGTAATGATACTGAAGAAGAAAAGA[T>C]CCATTGGAGCTTCACCGAATCCTTTCTCTGTGCACACCGCCACGGTAAAGTGTGTAGAGA-3'
Protein context (NP_001317289.1, residues 182-202): PPVMILKKKR[Ser192Pro]IGASPNPFSV

ClinVar aggregate classification (germline): Uncertain significance (1 of 4 stars; one submission).

gnomAD v4.1: 1 of 1,187,367 alleles (0.000084%); no homozygotes.

Submission:

Labcorp Genetics (formerly Invitae), Labcorp
Classification: Uncertain significance. Last evaluated: 2023-08-04. Review status: criteria provided, single submitter. Criteria: Invitae Variant Classification Sherloc (09022015). Collection method: clinical testing. Allele origin: germline.
Comment: This sequence change replaces serine, which is neutral and polar, with proline, which is neutral and non-polar, at codon 186 of the POLA1 protein (p.Ser186Pro). This variant is not present in population databases (gnomAD no frequency). This variant has not been reported in the literature in individuals affected with POLA1-related conditions. ClinVar contains an entry for this variant (Variation ID: 1511219). Advanced modeling of protein sequence and biophysical properties (such as structural, functional, and spatial information, amino acid conservation, physicochemical variation, residue mobility, and thermodynamic stability) performed at Invitae indicates that this missense variant is not expected to disrupt POLA1 protein function. In summary, the available evidence is currently insufficient to determine the role of this variant in disease. Therefore, it has been classified as a Variant of Uncertain Significance.